The following is an entry in ClinVar:

ClinVar aggregate classification (germline): Uncertain significance (1 of 4 stars; one submission).

Conditions:
Neuroblastoma, susceptibility to, 3. Also called: ALK-Related Neuroblastic Tumor Susceptibility. Identifiers: Orphanet 635, MedGen C2751681, MONDO:0013083, OMIM 613014.

Submission:

Labcorp Genetics (formerly Invitae), Labcorp
Classification: Uncertain significance for Neuroblastoma, susceptibility to, 3. Last evaluated: 2023-02-26. Review status: criteria provided, single submitter. Criteria: Invitae Variant Classification Sherloc (09022015). Collection method: clinical testing. Allele origin: germline.
Comment: In summary, the available evidence is currently insufficient to determine the role of this variant in disease. Therefore, it has been classified as a Variant of Uncertain Significance. An algorithm developed to predict the effect of missense changes on protein structure and function (PolyPhen-2) suggests that this variant is likely to be disruptive. This variant has not been reported in the literature in individuals affected with ALK-related conditions. This variant is not present in population databases (gnomAD no frequency). This sequence change replaces lysine, which is basic and polar, with glutamine, which is neutral and polar, at codon 748 of the ALK protein (p.Lys748Gln).

NM_004304.5(ALK):c.2242A>C (p.Lys748Gln)

Gene: ALK (ALK receptor tyrosine kinase; minus strand). Cytogenetic location: 2p23.2.
Variant type: single nucleotide variant.
Coding change: c.2242A>C on transcript NM_004304.5 (MANE Select); coding-DNA position 2242, A replaced by C.
Protein change: p.Lys748Gln; replaces lysine 748 with glutamine.
Molecular consequence: missense variant.
Genome position (GRCh38, 1-based): chr2:29,239,793, T>G on the plus strand (A>C on the coding strand, the complement: ALK is on the minus strand). VCF-style: chr2-29239793-T-G. GRCh37 (hg19) VCF-style: chr2-29462659-T-G.
Other names: short protein forms K748Q.
Identifiers: ClinVar variation 2841185 (VCV002841185.3), dbSNP rs1573148657, ClinGen allele CA346474685.
Genomic context (GRCh38, chr2:29,239,793, plus strand): 5'-CCTTCTCCAGGTTGAAGATGCCCAGCACAGACACGCCGTGGGACCGCATCATGGTGTTCT[T>G]CCCGCCTTTCCCGCCAGCAGCTCCGTAGCCCGAGATGCTGCAATGGGACAAAGAACGTTG-3'
Protein context (NP_004295.2, residues 738-758): GYGAAGGKGG[Lys748Gln]NTMMRSHGVS